The following is an entry in ClinVar:

ClinVar aggregate classification (germline): Uncertain significance (1 of 4 stars; one submission).

Allele frequency attached by ClinVar (database versions not stated): ExAC 0.00001; gnomAD exomes 0.00001; gnomAD 0.00002; TOPMed 0.00002; ESP Exome Variant Server 0.00009.

Submission:

Women's Health and Genetics/Laboratory Corporation of America, LabCorp
Classification: Uncertain significance. Last evaluated: 2024-02-02. Review status: criteria provided, single submitter. Criteria: LabCorp Variant Classification Summary - May 2015. Collection method: clinical testing. Allele origin: germline.
Comment: Variant summary: SRPX2 c.503G>A (p.Arg168Lys) results in a conservative amino acid change located in the Sushi/SCR/CCP domain (IPR000436) of the encoded protein sequence. Five of five in-silico tools predict a benign effect of the variant on protein function. The variant allele was found at a frequency of 5.6e-06 in 179428 control chromosomes (gnomAD). The available data on variant occurrences in the general population are insufficient to allow any conclusion about variant significance. To our knowledge, no occurrence of c.503G>A in individuals affected with Rolandic Epilepsy With Mental Retardation And Speech Dyspraxia, X-Linked and no experimental evidence demonstrating its impact on protein function have been reported. No submitters have cited clinical-significance assessments for this variant to ClinVar. Based on the evidence outlined above, the variant was classified as uncertain significance.

NM_014467.3(SRPX2):c.503G>A (p.Arg168Lys)

Gene: SRPX2 (sushi repeat containing protein X-linked 2; plus strand). Cytogenetic location: Xq22.1.
Variant type: single nucleotide variant.
Coding change: c.503G>A on transcript NM_014467.3 (MANE Select); coding-DNA position 503, G replaced by A.
Protein change: p.Arg168Lys; replaces arginine 168 with lysine.
Molecular consequence: missense variant.
Genome position (GRCh38, 1-based): chrX:100,664,921, G>A. VCF-style: chrX-100664921-G-A. GRCh37 (hg19) VCF-style: chrX-99919918-G-A.
Other names: short protein forms R168K.
Identifiers: ClinVar variation 3069086 (VCV003069086.2), dbSNP rs138600056, ClinGen allele CA10469498.